The following is an entry in ClinVar:

ClinVar aggregate classification (germline): Likely pathogenic (1 of 4 stars; one submission).

Submission:

CeGaT Center for Human Genetics Tuebingen
Classification: Likely pathogenic. Last evaluated: 2026-04-01. Review status: criteria provided, single submitter. Criteria: CeGaT Center For Human Genetics Tuebingen Variant Classification Criteria Version 2. Collection method: clinical testing. Allele origin: germline. Affected: yes. Observed: 3 variant alleles.
Comment: COL4A5: PM2, PS4:Moderate, PP4, PS3:Supporting

NM_033380.3(COL4A5):c.2746A>G (p.Ser916Gly)

Gene: COL4A5 (collagen type IV alpha 5 chain; plus strand). Cytogenetic location: Xq22.3.
Variant type: single nucleotide variant.
Coding change: c.2746A>G on transcript NM_033380.3 (MANE Select); coding-DNA position 2746, A replaced by G.
Protein change: p.Ser916Gly; replaces serine 916 with glycine.
Molecular consequence: missense variant.
Genome position (GRCh38, 1-based): chrX:108,621,871, A>G. VCF-style: chrX-108621871-A-G. GRCh37 (hg19) VCF-style: chrX-107865101-A-G.
Other names: c.2746A>G, p.Ser916Gly (NM_000495.5); short protein forms S916G.
Identifiers: ClinVar variation 3389457 (VCV003389457.14), dbSNP rs104886193.